The following is an entry in ClinVar:

ClinVar aggregate classification (germline): Uncertain significance. Review status: criteria provided, multiple submitters, no conflicts (2 of 4 stars). 2 submissions from 2 submitters: Uncertain significance (2). Last evaluated 2026-02-27.

Conditions:
Inborn genetic diseases. Identifiers: MedGen C0950123, MeSH D030342.

gnomAD v4.1: 73 of 1,607,354 alleles (0.0045%); highest among the groups gnomAD compares: Non-Finnish European, 0.0059%; no homozygotes.

Submissions (2):

Ambry Genetics
Classification: Uncertain significance for Inborn genetic diseases. Last evaluated: 2026-02-27. Review status: criteria provided, single submitter. Criteria: Ambry Variant Classification Scheme 2023. Collection method: clinical testing. Allele origin: germline.

Labcorp Genetics (formerly Invitae), Labcorp
Classification: Uncertain significance. Last evaluated: 2025-04-02. Review status: criteria provided, single submitter. Criteria: Invitae Variant Classification Sherloc (09022015). Collection method: clinical testing. Allele origin: germline.
Comment: This sequence change replaces arginine, which is basic and polar, with glycine, which is neutral and non-polar, at codon 366 of the TCIRG1 protein (p.Arg366Gly). This variant is present in population databases (rs148619884, gnomAD 0.004%). This variant has not been reported in the literature in individuals affected with TCIRG1-related conditions. ClinVar contains an entry for this variant (Variation ID: 2159473). Invitae Evidence Modeling of protein sequence and biophysical properties (such as structural, functional, and spatial information, amino acid conservation, physicochemical variation, residue mobility, and thermodynamic stability) indicates that this missense variant is expected to disrupt TCIRG1 protein function with a positive predictive value of 80%. In summary, the available evidence is currently insufficient to determine the role of this variant in disease. Therefore, it has been classified as a Variant of Uncertain Significance.

NM_006019.4(TCIRG1):c.1096C>G (p.Arg366Gly)

Gene: TCIRG1 (T cell immune regulator 1, ATPase H+ transporting V0 subunit a3; plus strand). Cytogenetic location: 11q13.2.
Variant type: single nucleotide variant.
Coding change: c.1096C>G on transcript NM_006019.4 (MANE Select); coding-DNA position 1096, C replaced by G.
Protein change: p.Arg366Gly; replaces arginine 366 with glycine.
Molecular consequence: missense variant.
Genome position (GRCh38, 1-based): chr11:68,045,033, C>G. VCF-style: chr11-68045033-C-G. GRCh37 (hg19) VCF-style: chr11-67812500-C-G.
Other names: c.202C>G, p.Arg68Gly (NM_001351059.2); c.448C>G, p.Arg150Gly (NM_006053.4); c.1096C>G (NM_006019.3); short protein forms R68G, R150G, R366G.
Identifiers: ClinVar variation 2159473 (VCV002159473.5), dbSNP rs148619884, ClinGen allele CA6146945.